The following is an entry in ClinVar:

ClinVar aggregate classification (germline): Uncertain significance. Review status: criteria provided, multiple submitters, no conflicts (2 of 4 stars). 5 submissions from 5 submitters: Uncertain significance (5). Last evaluated 2025-08-07.

Conditions:
Hereditary cancer-predisposing syndrome. Also called: Neoplastic Syndromes, Hereditary; Hereditary Cancer Syndrome; Hereditary neoplastic syndrome; Tumor predisposition. Identifiers: Orphanet 140162, MedGen C0027672, MeSH D009386, MONDO:0015356.
Dilated cardiomyopathy 1GG (CMD1GG). Identifiers: Orphanet 154, MedGen C3150898, MONDO:0013339, OMIM 613642.
Leigh syndrome (NULS). Also called: LEIGH SYNDROME, NUCLEAR; Leigh Disease; Subacute necrotizing encephalopathy; Necrotizing encephalopathy infantile subacute of Leigh; Leigh's necrotizing encephalopathy; Leigh's disease. Identifiers: Orphanet 506, MedGen C2931891, MONDO:0009723, OMIM 256000.
Mitochondrial complex II deficiency, nuclear type 1. Also called: SUCCINATE CoQ REDUCTASE DEFICIENCY. Identifiers: Orphanet 3208, MedGen C5700310, MONDO:0100294, OMIM 252011.
Pheochromocytoma/paraganglioma syndrome 5. Also called: Paragangliomas 5; SDHA-Related Hereditary Paraganglioma-Pheochromocytoma Syndrome. Identifiers: Orphanet 29072, MedGen C3279992, MONDO:0013602, OMIM 614165.

Allele frequency attached by ClinVar (database versions not stated): ExAC 0.00001; gnomAD exomes 0.00001 and 0.00003; gnomAD 0.00002 and 0.00003; TOPMed 0.00002; 1000 Genomes Project 30x 0.00016; 1000 Genomes Project 0.00020.
gnomAD v4.1: 20 of 1,613,930 alleles (0.0012%); highest among the groups gnomAD compares: Admixed American, 0.005%; no homozygotes.

Submissions (5):

Labcorp Genetics (formerly Invitae), Labcorp
Classification: Uncertain significance for Pheochromocytoma/paraganglioma syndrome 5; Mitochondrial complex II deficiency, nuclear type 1. Last evaluated: 2025-08-07. Review status: criteria provided, single submitter. Criteria: Invitae Variant Classification Sherloc (09022015). Collection method: clinical testing. Allele origin: germline.
Comment: This sequence change replaces alanine, which is neutral and non-polar, with threonine, which is neutral and polar, at codon 149 of the SDHA protein (p.Ala149Thr). This variant is present in population databases (rs575617625, gnomAD 0.01%). This variant has not been reported in the literature in individuals affected with SDHA-related conditions. ClinVar contains an entry for this variant (Variation ID: 486367). Invitae Evidence Modeling of protein sequence and biophysical properties (such as structural, functional, and spatial information, amino acid conservation, physicochemical variation, residue mobility, and thermodynamic stability) indicates that this missense variant is not expected to disrupt SDHA protein function with a negative predictive value of 95%. In summary, the available evidence is currently insufficient to determine the role of this variant in disease. Therefore, it has been classified as a Variant of Uncertain Significance.

Ambry Genetics
Classification: Uncertain significance for Hereditary cancer-predisposing syndrome. Last evaluated: 2025-02-14. Review status: criteria provided, single submitter. Criteria: Ambry Variant Classification Scheme 2023. Collection method: clinical testing. Allele origin: germline.
Comment: The p.A149T variant (also known as c.445G>A), located in coding exon 4 of the SDHA gene, results from a G to A substitution at nucleotide position 445. The alanine at codon 149 is replaced by threonine, an amino acid with similar properties. This amino acid position is poorly conserved in available vertebrate species. In addition, this alteration is predicted to be tolerated by in silico analysis. Based on the available evidence, the clinical significance of this variant remains unclear.

Quest Diagnostics Nichols Institute San Juan Capistrano
Classification: Uncertain significance. Last evaluated: 2024-09-09. Review status: criteria provided, single submitter. Criteria: Quest Diagnostics criteria. Collection method: clinical testing. Allele origin: unknown.
Comment: The SDHA c.445G>A (p.Ala149Thr) variant has not been reported in the germline state in individuals with SDHD related conditions. However, this variant has been observed as a somatic variant in esophageal (PMID: 29506494 (2018) and thyroid cancer (PMID: 37932340 (2023)). The frequency of this variant in the general population, 0.00014 (3/21642 chromosomes (Genome Aggregation Database)), is uninformative in the assessment of its pathogenicity. Analysis of this variant using bioinformatics tools for the prediction of the effect of amino acid changes on protein structure and function yielded predictions that this variant is benign. Based on the available information, we are unable to determine the clinical significance of this variant.

Baylor Genetics
Classification: Uncertain significance for Dilated cardiomyopathy 1GG. Last evaluated: 2024-02-18. Review status: criteria provided, single submitter. Criteria: ACMG Guidelines, 2015. Collection method: clinical testing. Allele origin: unknown.

Fulgent Genetics
Classification: Uncertain significance for Mitochondrial complex II deficiency, nuclear type 1; Leigh syndrome; Dilated cardiomyopathy 1GG; Pheochromocytoma/paraganglioma syndrome 5. Last evaluated: 2018-10-31. Review status: criteria provided, single submitter. Criteria: ACMG Guidelines, 2015. Collection method: clinical testing. Allele origin: unknown.

Literature cited by the submitters: PubMed 37932340 (cited by Quest Diagnostics Nichols Institute San Juan Capistrano); PubMed 29506494 (cited by Quest Diagnostics Nichols Institute San Juan Capistrano).

NM_004168.4(SDHA):c.445G>A (p.Ala149Thr)

Gene: SDHA (succinate dehydrogenase complex flavoprotein subunit A; plus strand). Cytogenetic location: 5p15.33.
Variant type: single nucleotide variant.
Coding change: c.445G>A on transcript NM_004168.4 (MANE Select); coding-DNA position 445, G replaced by A.
Protein change: p.Ala149Thr; replaces alanine 149 with threonine.
Molecular consequence: missense variant. On other transcripts: intron variant (1).
Genome position (GRCh38, 1-based): chr5:225,551, G>A. VCF-style: chr5-225551-G-A. GRCh37 (hg19) VCF-style: chr5-225666-G-A.
Other names: c.445G>A, p.Ala149Thr (NM_001330758.2); c.313-332G>A (NM_001294332.2); short protein forms A149T.
Identifiers: ClinVar variation 486367 (VCV000486367.18), dbSNP rs575617625, ClinGen allele CA3172822.